The following is an entry in ClinVar:

NC_012920.1(MT-CO2):m.8075G>A

Gene: MT-CO2 (mitochondrially encoded cytochrome c oxidase II; plus strand).
Variant type: single nucleotide variant.
Genome position: chrM-8075-G-A.
Identifiers: ClinVar variation 692817 (VCV000692817.1), dbSNP rs386829024, ClinGen allele CA414794936.

ClinVar aggregate classification (germline): Likely benign (1 of 4 stars; one submission).

Conditions:
Leigh syndrome (NULS). Also called: Leigh's necrotizing encephalopathy; Leigh's disease; Leigh Syndrome (mtDNA deletion); Leigh Disease; Subacute necrotizing encephalopathy; Necrotizing encephalopathy infantile subacute of Leigh. Identifiers: Orphanet 506, MedGen C2931891, MONDO:0009723, OMIM 256000.

Submission:

Wong Mito Lab, Molecular and Human Genetics, Baylor College of Medicine
Classification: Likely benign for Leigh syndrome. Last evaluated: 2019-10-17. Review status: criteria provided, single submitter. Criteria: Modified ACMG Guidelines (Unpublished). Collection method: clinical testing. Allele origin: germline.
Comment: The NC_012920.1:m.8075G>A (YP_003024029.1:p.Ala164Thr) variant in MTCO2 gene is interpretated to be a Likely Benign variant based on the modified ACMG guidelines (unpublished). This variant meets the following evidence codes: BS1, BP4